The following is an entry in ClinVar:

ClinVar aggregate classification (germline): Uncertain significance (1 of 4 stars; one submission).

Allele frequency attached by ClinVar (database versions not stated): gnomAD exomes below 0.00001; ExAC 0.00001.
gnomAD v4.1: 3 of 1,612,528 alleles (0.00019%); highest among the groups gnomAD compares: South Asian, 0.0011%; no homozygotes.

Submission:

GeneDx
Classification: Uncertain significance. Last evaluated: 2019-07-31. Review status: criteria provided, single submitter. Criteria: GeneDx Variant Classification Process June 2021. Collection method: clinical testing. Allele origin: germline. Affected: yes.
Comment: Not observed at a significant frequency in large population cohorts (Lek et al., 2016); In silico analysis, which includes protein predictors and evolutionary conservation, supports that this variant does not alter protein structure/function; Has not been previously published as pathogenic or benign to our knowledge

NM_001080449.3(DNA2):c.337G>A (p.Asp113Asn)

Gene: DNA2 (DNA replication helicase/nuclease 2; minus strand). Cytogenetic location: 10q21.3.
Variant type: single nucleotide variant.
Coding change: c.337G>A on transcript NM_001080449.3 (MANE Select); coding-DNA position 337, G replaced by A.
Protein change: p.Asp113Asn; replaces aspartic acid 113 with asparagine.
Molecular consequence: missense variant. On other transcripts: non-coding transcript variant (1).
Genome position (GRCh38, 1-based): chr10:68,468,227, C>T on the plus strand (G>A on the coding strand, the complement: DNA2 is on the minus strand). VCF-style: chr10-68468227-C-T. GRCh37 (hg19) VCF-style: chr10-70227984-C-T.
Other names: short protein forms D113N.
Identifiers: ClinVar variation 1307204 (VCV001307204.2), dbSNP rs778315961, ClinGen allele CA5525321.